The following is an entry in ClinVar:

ClinVar aggregate classification (germline): Uncertain significance. Review status: criteria provided, multiple submitters, no conflicts (2 of 4 stars). 2 submissions from 2 submitters: Uncertain significance (2). Last evaluated 2024-10-16.

Conditions:
Inborn genetic diseases. Identifiers: MedGen C0950123, MeSH D030342.
Microcephaly-intellectual disability-sensorineural hearing loss-epilepsy-abnormal muscle tone syndrome (NEDHSB). Also called: NEURODEVELOPMENTAL DISORDER WITH HEARING LOSS, SEIZURES, AND BRAIN ABNORMALITIES. Identifiers: Orphanet 457351, MedGen C4225276, MONDO:0014698, OMIM 616577.

Allele frequency attached by ClinVar (database versions not stated): gnomAD exomes below 0.00001; TOPMed below 0.00001; gnomAD 0.00001.
gnomAD v4.1: 10 of 1,614,136 alleles (0.00062%); highest among the groups gnomAD compares: African/African-American, 0.0027%; no homozygotes.

Submissions (2):

Labcorp Genetics (formerly Invitae), Labcorp
Classification: Uncertain significance for Microcephaly-intellectual disability-sensorineural hearing loss-epilepsy-abnormal muscle tone syndrome. Last evaluated: 2024-10-16. Review status: criteria provided, single submitter. Criteria: Invitae Variant Classification Sherloc (09022015). Collection method: clinical testing. Allele origin: germline.
Comment: This sequence change replaces asparagine, which is neutral and polar, with serine, which is neutral and polar, at codon 300 of the SPATA5 protein (p.Asn300Ser). This variant is present in population databases (no rsID available, gnomAD 0.01%). This variant has not been reported in the literature in individuals affected with SPATA5-related conditions. ClinVar contains an entry for this variant (Variation ID: 1047287). Invitae Evidence Modeling of protein sequence and biophysical properties (such as structural, functional, and spatial information, amino acid conservation, physicochemical variation, residue mobility, and thermodynamic stability) indicates that this missense variant is not expected to disrupt SPATA5 protein function with a negative predictive value of 95%. In summary, the available evidence is currently insufficient to determine the role of this variant in disease. Therefore, it has been classified as a Variant of Uncertain Significance.

Ambry Genetics
Classification: Uncertain significance for Inborn genetic diseases. Last evaluated: 2023-06-02. Review status: criteria provided, single submitter. Criteria: Ambry Variant Classification Scheme 2023. Collection method: clinical testing. Allele origin: germline.

NM_145207.3(AFG2A):c.899A>G (p.Asn300Ser)

Gene: AFG2A (AAA ATPase AFG2A; plus strand). Cytogenetic location: 4q28.1.
Variant type: single nucleotide variant.
Coding change: c.899A>G on transcript NM_145207.3 (MANE Select); coding-DNA position 899, A replaced by G.
Protein change: p.Asn300Ser; replaces asparagine 300 with serine.
Molecular consequence: missense variant.
Genome position (GRCh38, 1-based): chr4:122,934,490, A>G. VCF-style: chr4-122934490-A-G. GRCh37 (hg19) VCF-style: chr4-123855645-A-G.
Other names: c.896A>G, p.Asn299Ser (NM_001317799.2, NM_001345856.2); c.899A>G (NM_145207.2); short protein forms N300S, N299S.
Identifiers: ClinVar variation 1047287 (VCV001047287.6), dbSNP rs1439817941, ClinGen allele CA358102420.
Genomic context (GRCh38, chr4:122,934,490, plus strand): 5'-GACTTATGCTAGAGGAAGTCACAGGTCTTAAATGTAATTTTGAATCTGCCAGAGAAGGAA[A>G]TGAGCAACTTACTGAAGAAGAGAGACTGCTAAAGTTCAGCATAGGAGCAAAGTGCAATAC-3'
Protein context (NP_660208.2, residues 290-310): KCNFESAREG[Asn300Ser]EQLTEEERLL